The following is an entry in ClinVar:

ClinVar aggregate classification (germline): Uncertain significance. Review status: criteria provided, multiple submitters, no conflicts (2 of 4 stars). 2 submissions from 2 submitters: Uncertain significance (2). Last evaluated 2020-05-04.

Conditions:
Thrombophilia due to protein C deficiency, autosomal dominant. Also called: PROC DEFICIENCY, AUTOSOMAL DOMINANT; PROTEIN C DEFICIENCY, AUTOSOMAL DOMINANT. Identifiers: Orphanet 745, MedGen C2674321, MONDO:0008316, OMIM 176860. Disease mechanism: loss of function.

Allele frequency attached by ClinVar (database versions not stated): gnomAD exomes below 0.00001; TOPMed 0.00001.

Submissions (2):

Labcorp Genetics (formerly Invitae), Labcorp
Classification: Uncertain significance for Thrombophilia due to protein C deficiency, autosomal dominant. Last evaluated: 2020-05-04. Review status: criteria provided, single submitter. Criteria: Invitae Variant Classification Sherloc (09022015). Collection method: clinical testing. Allele origin: germline.
Comment: Algorithms developed to predict the effect of missense changes on protein structure and function (SIFT, PolyPhen-2, Align-GVGD) all suggest that this variant is likely to be tolerated, but these predictions have not been confirmed by published functional studies and their clinical significance is uncertain. This variant has not been reported in the literature in individuals with PROC-related conditions. This variant is not present in population databases (ExAC no frequency). This sequence change replaces proline with arginine at codon 100 of the PROC protein (p.Pro100Arg). The proline residue is weakly conserved and there is a moderate physicochemical difference between proline and arginine. In summary, the available evidence is currently insufficient to determine the role of this variant in disease. Therefore, it has been classified as a Variant of Uncertain Significance. Algorithms developed to predict the effect of sequence changes on RNA splicing suggest that this variant may create or strengthen a splice site, but this prediction has not been confirmed by published transcriptional studies.

Breakthrough Genomics
Classification: Uncertain significance. Review status: criteria provided, single submitter. Criteria: ACMG Guidelines, 2015. Collection method: not provided. Allele origin: germline. Inheritance: Autosomal recessive inheritance. Affected: yes.

NM_000312.4(PROC):c.299C>G (p.Pro100Arg)

Gene: PROC (protein C, inactivator of coagulation factors Va and VIIIa; plus strand). Cytogenetic location: 2q14.3.
Variant type: single nucleotide variant.
Coding change: c.299C>G on transcript NM_000312.4 (MANE Select); coding-DNA position 299, C replaced by G.
Protein change: p.Pro100Arg; replaces proline 100 with arginine.
Molecular consequence: missense variant.
Genome position (GRCh38, 1-based): chr2:127,423,070, C>G. VCF-style: chr2-127423070-C-G. GRCh37 (hg19) VCF-style: chr2-128180646-C-G.
Other names: c.482C>G, p.Pro161Arg (NM_001375602.1); c.362C>G, p.Pro121Arg (NM_001375603.1, NM_001375604.1); c.299C>G, p.Pro100Arg (NM_001375605.1, NM_001375608.1, NM_001375611.1 and 1 more transcripts); c.454C>G, p.Arg152Gly (NM_001375606.1); c.383C>G, p.Pro128Arg (NM_001375607.1); c.275C>G, p.Pro92Arg (NM_001375609.1); c.293C>G, p.Pro98Arg (NM_001375610.1); short protein forms P100R, P121R, P128R, P161R, P92R, P98R, R152G.
Identifiers: ClinVar variation 999951 (VCV000999951.8), dbSNP rs945459808, ClinGen allele CA55345080.